The following is an entry in ClinVar:

ClinVar aggregate classification (germline): Conflicting classifications of pathogenicity. Review status: criteria provided, conflicting classifications (1 of 4 stars). 5 submissions from 5 submitters: Uncertain significance (4); Likely benign (1). Last evaluated 2025-11-27.

Conditions:
Cardiovascular phenotype. Identifiers: MedGen CN230736.
Cardiomyopathy (CMYO). Also called: Cardiomyopathies. Identifiers: Orphanet 167848, MedGen C0878544, MONDO:0004994, HP:0001638. Inheritance: Various modes of inheritance.
Arrhythmogenic right ventricular dysplasia 8 (ARVD8). Also called: Arrhythmogenic Right Ventricular Dysplasia/Cardiomyopathy 8; ARRHYTHMOGENIC RIGHT VENTRICULAR DYSPLASIA, FAMILIAL, 8; ARRHYTHMOGENIC RIGHT VENTRICULAR CARDIOMYOPATHY 8. Identifiers: MedGen C1843896, MONDO:0011831, OMIM 607450.
Arrhythmogenic cardiomyopathy with wooly hair and keratoderma. Also called: PALMOPLANTAR KERATODERMA WITH LEFT VENTRICULAR CARDIOMYOPATHY AND WOOLLY HAIR; Carvajal syndrome; Dilated cardiomyopathy with woolly hair and keratoderma; Arrhythmogenic cardiomyopathy with woolly hair and keratoderma. Identifiers: Orphanet 65282, MedGen C1854063, MONDO:0011581, OMIM 605676.

Allele frequency attached by ClinVar (database versions not stated): gnomAD 0.00001; gnomAD exomes 0.00001; TOPMed 0.00001; ExAC 0.00002; ESP Exome Variant Server 0.00008.
gnomAD v4.1: 79 of 1,614,006 alleles (0.0049%); highest among the groups gnomAD compares: Non-Finnish European, 0.0065%; no homozygotes.

Submissions (5):

Mayo Clinic Laboratories, Mayo Clinic
Classification: Uncertain significance. Last evaluated: 2025-11-27. Review status: criteria provided, single submitter. Criteria: ACMG Guidelines, 2015. Collection method: clinical testing. Allele origin: germline. Observed: 1 variant allele.
Comment: PM2_supporting

Color Diagnostics, LLC DBA Color Health
Classification: Uncertain significance for Cardiomyopathy. Last evaluated: 2025-11-04. Review status: criteria provided, single submitter. Criteria: ACMG Guidelines, 2015. Collection method: clinical testing. Allele origin: germline.
Comment: This missense variant replaces isoleucine with threonine at codon 2111 of the DSP protein. Computational prediction suggests that this variant may not impact protein structure and function. To our knowledge, functional studies have not been reported for this variant. This variant has been reported in an individual affected with dilated cardiomyopathy (PMID: 31983221). This variant has been identified in 79/1614006 chromosomes in the general population by the Genome Aggregation Database (gnomAD). The available evidence is insufficient to determine the role of this variant in disease conclusively. Therefore, this variant is classified as a Variant of Uncertain Significance.

Labcorp Genetics (formerly Invitae), Labcorp
Classification: Likely benign for Arrhythmogenic cardiomyopathy with wooly hair and keratoderma; Arrhythmogenic right ventricular dysplasia 8. Last evaluated: 2025-11-02. Review status: criteria provided, single submitter. Criteria: Invitae Variant Classification Sherloc (09022015). Collection method: clinical testing. Allele origin: germline.

Ambry Genetics
Classification: Uncertain significance for Cardiovascular phenotype. Last evaluated: 2024-12-03. Review status: criteria provided, single submitter. Criteria: Ambry Variant Classification Scheme 2023. Collection method: clinical testing. Allele origin: germline.
Comment: The p.I2111T variant (also known as c.6332T>C), located in coding exon 24 of the DSP gene, results from a T to C substitution at nucleotide position 6332. The isoleucine at codon 2111 is replaced by threonine, an amino acid with similar properties. This variant has been reported in a dilated cardiomyopathy (DCM) cohort (Mazzarotto F et al. Circulation, 2020 Feb;141:387-398). This amino acid position is not well conserved in available vertebrate species. In addition, the in silico prediction for this alteration is inconclusive. Based on the available evidence, the clinical significance of this variant remains unclear.

GeneDx
Classification: Uncertain significance. Last evaluated: 2019-11-21. Review status: criteria provided, single submitter. Criteria: GeneDx Variant Classification Process June 2021. Collection method: clinical testing. Allele origin: germline. Affected: yes.
Comment: Has not been previously published as pathogenic or benign to our knowledge; Not observed at a significant frequency in large population cohorts (Lek et al., 2016); In silico analysis, which includes protein predictors and evolutionary conservation, supports that this variant does not alter protein structure/function

Literature cited by the submitters: PubMed 31983221 (cited by 3 submitters).

NM_004415.4(DSP):c.6332T>C (p.Ile2111Thr)

Gene: DSP (desmoplakin; plus strand). Cytogenetic location: 6p24.3.
Variant type: single nucleotide variant.
Coding change: c.6332T>C on transcript NM_004415.4 (MANE Select); coding-DNA position 6332, T replaced by C.
Protein change: p.Ile2111Thr; replaces isoleucine 2111 with threonine.
Molecular consequence: missense variant.
Genome position (GRCh38, 1-based): chr6:7,583,594, T>C. VCF-style: chr6-7583594-T-C. GRCh37 (hg19) VCF-style: chr6-7583827-T-C.
Other names: p.Ile2111Thr; c.4535T>C, p.Ile1512Thr (NM_001008844.3); c.5003T>C, p.Ile1668Thr (NM_001319034.2); short protein forms I2111T, I1668T, I1512T.
Identifiers: ClinVar variation 924865 (VCV000924865.20), dbSNP rs370865499, ClinGen allele CA047335.